The following is an entry in ClinVar:

NM_000321.3(RB1):c.2560A>G (p.Asn854Asp)

Gene: RB1 (RB transcriptional corepressor 1; plus strand). Cytogenetic location: 13q14.2.
Variant type: single nucleotide variant.
Coding change: c.2560A>G on transcript NM_000321.3 (MANE Select); coding-DNA position 2560, A replaced by G.
Protein change: p.Asn854Asp; replaces asparagine 854 with aspartic acid.
Molecular consequence: missense variant.
Genome position (GRCh38, 1-based): chr13:48,476,740, A>G. VCF-style: chr13-48476740-A-G. GRCh37 (hg19) VCF-style: chr13-49050876-A-G.
Other names: c.2560A>G, p.Asn854Asp (NM_001407165.1); c.10A>G, p.Asn4Asp (NM_001407168.1); short protein forms N854D, N4D.
Identifiers: ClinVar variation 2859488 (VCV002859488.3), dbSNP rs2138359078, ClinGen allele CA388157240.

ClinVar aggregate classification (germline): Uncertain significance (1 of 4 stars; one submission).

Conditions:
Retinoblastoma (RB1). Also called: RETINOBLASTOMA, SOMATIC. Identifiers: Orphanet 790, MedGen C0035335, MeSH D012175, MONDO:0008380, OMIM 180200, HP:0009919. Disease mechanism: loss of function. Inheritance: Both sporadic and heritable forms are tested..

Submission:

Labcorp Genetics (formerly Invitae), Labcorp
Classification: Uncertain significance for Retinoblastoma. Last evaluated: 2024-01-30. Review status: criteria provided, single submitter. Criteria: Invitae Variant Classification Sherloc (09022015). Collection method: clinical testing. Allele origin: germline.
Comment: This sequence change replaces asparagine, which is neutral and polar, with aspartic acid, which is acidic and polar, at codon 854 of the RB1 protein (p.Asn854Asp). This variant is not present in population databases (gnomAD no frequency). This variant has not been reported in the literature in individuals affected with RB1-related conditions. Advanced modeling of protein sequence and biophysical properties (such as structural, functional, and spatial information, amino acid conservation, physicochemical variation, residue mobility, and thermodynamic stability) performed at Invitae indicates that this missense variant is not expected to disrupt RB1 protein function with a negative predictive value of 80%. In summary, the available evidence is currently insufficient to determine the role of this variant in disease. Therefore, it has been classified as a Variant of Uncertain Significance.